The following is an entry in ClinVar:

NM_000501.4(ELN):c.470-37_470del

Gene: ELN (elastin; plus strand). Cytogenetic location: 7q11.23.
Variant type: Deletion.
Coding change: c.470-37_470del on transcript NM_000501.4 (MANE Select); 37 bases into the intron before coding-DNA position 470 through coding-DNA position 470, 38 bases deleted.
Molecular consequence: splice acceptor variant. On other transcripts: intron variant (1).
Genome position (GRCh38, 1-based): chr7:74,045,185-74,045,222, 38 bases deleted; deleting any 38 consecutive bases within chr7:74,045,182-74,045,222 gives the same sequence; the c. name uses the placement nearest the transcript's 3' end. GRCh37 (hg19): chr7:73,459,515-73,459,552.
Other names: c.485-37_485del (NM_001081754.3, NM_001081753.3); c.470-37_470del (NM_001278939.2, NM_001278915.2, NM_001278912.2 and 2 more transcripts); c.434-37_434del (NM_001278913.2); c.455-37_455del (NM_001278914.2); c.440-37_440del (NM_001278917.2, NM_001081752.3); c.439+1265_439+1302del (NM_001278918.2).
Identifiers: ClinVar variation 582311 (VCV000582311.8), dbSNP rs1563793627, ClinGen allele CA891843200.
Genomic context (GRCh38, chr7:74,045,181, plus strand): 5'-AGTCCCAAGGGAGGTCAGCTGGGGGACCCGAGGAGGGGAGGGGTTCCCAGCAGGGCCTGC[AAGGCCTGCCTTCCTACACTCACTGCTTTGTCCCCCGGC>A]AGGAGCTCGGTTCCCCGGTGTGGGGGTGCTCCCTGGAGTTCCCACTGGAGCAGGAGTTAA-3'

ClinVar aggregate classification (germline): Likely pathogenic (1 of 4 stars; one submission).

Conditions:
Supravalvar aortic stenosis (SVAS). Also called: Supravalvar aortic stenosis, Eisenberg type. Identifiers: Orphanet 3193, MedGen C0003499, MONDO:0008504, OMIM 185500, HP:0004381.

Submission:

Labcorp Genetics (formerly Invitae), Labcorp
Classification: Likely pathogenic for Supravalvar aortic stenosis. Last evaluated: 2019-03-15. Review status: criteria provided, single submitter. Criteria: Invitae Variant Classification Sherloc (09022015). Collection method: clinical testing. Allele origin: germline.
Comment: In summary, the currently available evidence indicates that the variant is pathogenic, but additional data are needed to prove that conclusively. Therefore, this variant has been classified as Likely Pathogenic. Donor and acceptor splice site variants typically lead to a loss of protein function (PMID: 16199547), and loss-of-function variants in ELN are known to be pathogenic (PMID: 11175284). This variant has not been reported in the literature in individuals with ELN-related disease. This variant is not present in population databases (ExAC no frequency). This sequence change affects an acceptor splice site in intron 9 of the ELN gene. It is expected to disrupt RNA splicing and likely results in an absent or disrupted protein product.

Literature cited by the submitters: PubMed 16199547; PubMed 11175284.